The following is an entry in ClinVar:

ClinVar aggregate classification (germline): Conflicting classifications of pathogenicity. Review status: criteria provided, conflicting classifications (1 of 4 stars). 2 submissions from 2 submitters: Uncertain significance (1); Likely benign (1). Last evaluated 2026-08-01.

Conditions:
Inborn genetic diseases. Identifiers: MedGen C0950123, MeSH D030342.

Allele frequency attached by ClinVar (database versions not stated): ESP Exome Variant Server 0.00010; gnomAD 0.00015; TOPMed 0.00016; ExAC 0.00027.
gnomAD v4.1: 84 of 1,149,578 alleles (0.0073%); highest among the groups gnomAD compares: Middle Eastern, 0.1%; no homozygotes.

Submissions (2):

CeGaT Center for Human Genetics Tuebingen
Classification: Likely benign. Last evaluated: 2026-08-01. Review status: criteria provided, single submitter. Criteria: CeGaT Center For Human Genetics Tuebingen Variant Classification Criteria Version 2. Collection method: clinical testing. Allele origin: germline. Affected: yes. Observed: 1 variant allele.
Comment: TCEAL1: BP4, BS2

Ambry Genetics
Classification: Uncertain significance for Inborn genetic diseases. Last evaluated: 2023-11-18. Review status: criteria provided, single submitter. Criteria: Ambry Variant Classification Scheme 2023. Collection method: clinical testing. Allele origin: germline.

NM_004780.3(TCEAL1):c.34C>T (p.Pro12Ser)

Gene: TCEAL1 (transcription elongation factor A like 1; plus strand). Cytogenetic location: Xq22.2.
Variant type: single nucleotide variant.
Coding change: c.34C>T on transcript NM_004780.3 (MANE Select); coding-DNA position 34, C replaced by T.
Protein change: p.Pro12Ser; replaces proline 12 with serine.
Molecular consequence: missense variant.
Genome position (GRCh38, 1-based): chrX:103,629,950, C>T. VCF-style: chrX-103629950-C-T. GRCh37 (hg19) VCF-style: chrX-102884878-C-T.
Other names: c.34C>T, p.Pro12Ser (NM_001006639.2, NM_001006640.2); short protein forms P12S.
Identifiers: ClinVar variation 3175049 (VCV003175049.2), dbSNP rs374247678, ClinGen allele CA10478386.